The following is an entry in ClinVar:

NM_004746.4(DLGAP1):c.1383G>A (p.Glu461=)

Gene: DLGAP1 (DLG associated protein 1; minus strand). Cytogenetic location: 18p11.31.
Variant type: single nucleotide variant.
Coding change: c.1383G>A on transcript NM_004746.4 (MANE Select); coding-DNA position 1383, G replaced by A.
Protein change: p.Glu461=; no amino-acid change (glutamic acid 461 retained).
Molecular consequence: synonymous variant.
Genome position (GRCh38, 1-based): chr18:3,729,343, C>T on the plus strand (G>A on the coding strand, the complement: DLGAP1 is on the minus strand). VCF-style: chr18-3729343-C-T. GRCh37 (hg19) VCF-style: chr18-3729343-C-T.
Other names: c.477G>A, p.Glu159= (NM_001003809.3, NM_001242765.2, NM_001242766.2 and 1 more transcripts); c.1383G>A, p.Glu461= (NM_001242761.2, NM_001398525.1, NM_001398526.1 and 2 more transcripts); c.519G>A, p.Glu173= (NM_001242762.2, NM_001242763.2, NM_001398533.1 and 2 more transcripts); c.501G>A, p.Glu167= (NM_001242764.2, NM_001308390.2, NM_001398541.1 and 2 more transcripts); c.633G>A, p.Glu211= (NM_001398530.1, NM_001398535.1); c.615G>A, p.Glu205= (NM_001398531.1, NM_001398537.1); c.507G>A, p.Glu169= (NM_001398532.1, NM_001398534.1, NM_001398540.1 and 1 more transcripts); c.591G>A, p.Glu197= (NM_001398536.1).
Identifiers: ClinVar variation 3033863 (VCV003033863.2), dbSNP rs373754921, ClinGen allele CA8876463.

ClinVar aggregate classification (germline): Likely benign (0 of 4 stars; one submission).

Conditions:
DLGAP1-related disorder. Also called: DLGAP1-related condition.

Allele frequency attached by ClinVar (database versions not stated): 1000 Genomes Project 30x 0.00016; 1000 Genomes Project 0.00020; ESP Exome Variant Server 0.00023; ExAC 0.00024; TOPMed 0.00027; gnomAD exomes 0.00030; gnomAD 0.00042.
gnomAD v4.1: 493 of 1,613,802 alleles (0.031%); highest among the groups gnomAD compares: Non-Finnish European, 0.039%; no homozygotes.

Submission:

PreventionGenetics, part of Exact Sciences
Classification: Likely benign for DLGAP1-related condition. Last evaluated: 2019-06-12. Review status: no assertion criteria provided. Collection method: clinical testing. Allele origin: germline.
Comment: This variant is classified as likely benign based on ACMG/AMP sequence variant interpretation guidelines (Richards et al. 2015 PMID: 25741868, with internal and published modifications).